The following is an entry in ClinVar:

ClinVar aggregate classification (germline): Uncertain significance (1 of 4 stars; one submission).

Conditions:
Kleefstra syndrome 1 (KLEFS1). Identifiers: Orphanet 261494, MedGen C0795833, MONDO:0027407, OMIM 610253.

Allele frequency attached by ClinVar (database versions not stated): gnomAD exomes below 0.00001; ExAC 0.00001.
gnomAD v4.1: 1 of 1,613,728 alleles (0.000062%); highest among the groups gnomAD compares: Non-Finnish European, 0.000085%; no homozygotes.

Submission:

Labcorp Genetics (formerly Invitae), Labcorp
Classification: Uncertain significance for Kleefstra syndrome 1. Last evaluated: 2022-11-22. Review status: criteria provided, single submitter. Criteria: Invitae Variant Classification Sherloc (09022015). Collection method: clinical testing. Allele origin: germline.
Comment: In summary, the available evidence is currently insufficient to determine the role of this variant in disease. Therefore, it has been classified as a Variant of Uncertain Significance. Advanced modeling of protein sequence and biophysical properties (such as structural, functional, and spatial information, amino acid conservation, physicochemical variation, residue mobility, and thermodynamic stability) performed at Invitae indicates that this missense variant is not expected to disrupt EHMT1 protein function. This variant has not been reported in the literature in individuals affected with EHMT1-related conditions. This variant is present in population databases (rs764059584, gnomAD 0.0009%). This sequence change replaces valine, which is neutral and non-polar, with methionine, which is neutral and non-polar, at codon 985 of the EHMT1 protein (p.Val985Met).

NM_024757.5(EHMT1):c.2953G>A (p.Val985Met)

Gene: EHMT1 (euchromatic histone lysine methyltransferase 1; plus strand). Cytogenetic location: 9q34.3.
Variant type: single nucleotide variant.
Coding change: c.2953G>A on transcript NM_024757.5 (MANE Select); coding-DNA position 2953, G replaced by A.
Protein change: p.Val985Met; replaces valine 985 with methionine.
Molecular consequence: missense variant.
Genome position (GRCh38, 1-based): chr9:137,813,091, G>A. VCF-style: chr9-137813091-G-A. GRCh37 (hg19) VCF-style: chr9-140707543-G-A.
Other names: c.2932G>A, p.Val978Met (NM_001354263.2); short protein forms V985M, V978M.
Identifiers: ClinVar variation 2087893 (VCV002087893.4), dbSNP rs764059584, ClinGen allele CA5375113.